The following is an entry in ClinVar:

ClinVar aggregate classification (germline): Uncertain significance (1 of 4 stars; one submission).

Conditions:
Very long chain acyl-CoA dehydrogenase deficiency (ACADVLD). Also called: Very Long-Chain Acyl-Coenzyme A Dehydrogenase Deficiency; VLCAD Deficiency. Identifiers: Orphanet 26793, MedGen C3887523, MONDO:0008723, OMIM 201475.

Allele frequency attached by ClinVar (database versions not stated): gnomAD exomes below 0.00001; ExAC 0.00001; gnomAD 0.00001; 1000 Genomes Project 30x 0.00016; 1000 Genomes Project 0.00020.
gnomAD v4.1: 2 of 1,613,930 alleles (0.00012%); highest among the groups gnomAD compares: East Asian, 0.0045%; no homozygotes.

Submission:

Wong Mito Lab, Molecular and Human Genetics, Baylor College of Medicine
Classification: Uncertain significance for Very long chain acyl-CoA dehydrogenase deficiency. Last evaluated: 2019-11-01. Review status: criteria provided, single submitter. Criteria: ACMG Guidelines, 2015. Collection method: clinical testing. Allele origin: germline.
Comment: The NM_000018.3:c.901G>A (NP_000009.1:p.Gly301Ser) [GRCH38: NC_000017.11:g.7222689G>A] variant in ACADVL gene is interpretated to be Uncertain Significance based on ACMG guidelines (PMID: 25741868). This variant has been reported. This variant meets the following evidence codes reported in the ACMG guidelines: PP3

NM_000018.4(ACADVL):c.901G>A (p.Gly301Ser)

Gene: ACADVL (acyl-CoA dehydrogenase very long chain; plus strand). Cytogenetic location: 17p13.1.
Variant type: single nucleotide variant.
Coding change: c.901G>A on transcript NM_000018.4 (MANE Select); coding-DNA position 901, G replaced by A.
Protein change: p.Gly301Ser; replaces glycine 301 with serine.
Molecular consequence: missense variant.
Genome position (GRCh38, 1-based): chr17:7,222,689, G>A. VCF-style: chr17-7222689-G-A. GRCh37 (hg19) VCF-style: chr17-7126008-G-A.
Other names: c.835G>A, p.Gly279Ser (NM_001033859.3); c.970G>A, p.Gly324Ser (NM_001270447.2); c.673G>A, p.Gly225Ser (NM_001270448.2); short protein forms G279S, G301S, G225S, G324S.
Identifiers: ClinVar variation 932891 (VCV000932891.2), dbSNP rs199738655, ClinGen allele CA8337904.